The following is an entry in ClinVar:

NM_001048174.2(MUTYH):c.212G>C (p.Ser71Thr)

Gene: MUTYH (mutY DNA glycosylase; minus strand). Cytogenetic location: 1p34.1.
Variant type: single nucleotide variant.
Coding change: c.212G>C on transcript NM_001048174.2 (MANE Select); coding-DNA position 212, G replaced by C.
Protein change: p.Ser71Thr; replaces serine 71 with threonine.
Molecular consequence: missense variant. On other transcripts: 5 prime UTR variant (6), non-coding transcript variant (7).
Genome position (GRCh38, 1-based): chr1:45,333,465, C>G on the plus strand (G>C on the coding strand, the complement: MUTYH is on the minus strand). VCF-style: chr1-45333465-C-G. GRCh37 (hg19) VCF-style: chr1-45799137-C-G.
Other names: c.212G>C, p.Ser71Thr (NM_001048171.2, NM_001048173.2, NM_001293195.2 and 6 more transcripts); c.215G>C, p.Ser72Thr (NM_001048172.2, NM_001407071.1, NM_001407078.1 and 2 more transcripts); c.296G>C, p.Ser99Thr (NM_001128425.2); c.257G>C, p.Ser86Thr (NM_001293190.2); c.245G>C, p.Ser82Thr (NM_001293191.2, NM_001407077.1); c.-65G>C (NM_001293192.2, NM_001293196.2, NM_001407091.1); c.-60G>C (NM_001350650.2, NM_001350651.2, NM_001407082.1); c.287G>C, p.Ser96Thr (NM_001407069.1, NM_012222.3); and 3 more; short protein forms S43T, S71T, S72T, S96T, S78T, S82T, S86T, S99T.
Identifiers: ClinVar variation 4113587 (VCV004113587.1).

ClinVar aggregate classification (germline): Uncertain significance (1 of 4 stars; one submission).

Conditions:
Hereditary cancer-predisposing syndrome. Also called: Hereditary neoplastic syndrome; Neoplastic Syndromes, Hereditary; Tumor predisposition; Hereditary Cancer Syndrome. Identifiers: Orphanet 140162, MedGen C0027672, MeSH D009386, MONDO:0015356.

Submission:

Ambry Genetics
Classification: Uncertain significance for Hereditary cancer-predisposing syndrome. Last evaluated: 2025-08-27. Review status: criteria provided, single submitter. Criteria: Ambry Variant Classification Scheme 2023. Collection method: clinical testing. Allele origin: germline.
Comment: The p.S99T variant (also known as c.296G>C), located in coding exon 3 of the MUTYH gene, results from a G to C substitution at nucleotide position 296. The serine at codon 99 is replaced by threonine, an amino acid with similar properties. This amino acid position is conserved. In addition, this alteration is predicted to be tolerated by in silico analysis. Based on the available evidence, the clinical significance of this variant remains unclear.